The following is an entry in ClinVar:

ClinVar aggregate classification (germline): Pathogenic. Review status: criteria provided, multiple submitters, no conflicts (2 of 4 stars). 2 submissions from 2 submitters: Pathogenic (2). Last evaluated 2024-01-26.

Conditions:
Autosomal dominant nonsyndromic hearing loss 1. Also called: KONIGSMARK SYNDROME; DEAFNESS, AUTOSOMAL DOMINANT 1, WITH OR WITHOUT THROMBOCYTOPENIA. Identifiers: Orphanet 90635, MedGen C1852282, MONDO:0007424, OMIM 124900.
Progressive microcephaly-seizures-cortical blindness-developmental delay syndrome. Also called: Seizures, cortical blindness, and microcephaly syndrome. Identifiers: Orphanet 477814, MedGen C5567650, MONDO:0014714, OMIM 616632.

Submissions (2):

Institute of Human Genetics, FAU Erlangen, Friedrich-Alexander-Universität Erlangen-Nürnberg
Classification: Pathogenic for Progressive microcephaly-seizures-cortical blindness-developmental delay syndrome. Last evaluated: 2024-01-26. Review status: criteria provided, single submitter. Criteria: Hauer et al. (Genet Med. 2018). Collection method: clinical testing. Allele origin: germline. Inheritance: Autosomal recessive inheritance. Affected: yes. Observed: 3 variant alleles.
Comment: This variant has been identified by standard clinical testing. Selected ACMG criteria: Pathogenic (I):PM3;PM2;PVS1

Labcorp Genetics (formerly Invitae), Labcorp
Classification: Pathogenic for Progressive microcephaly-seizures-cortical blindness-developmental delay syndrome; Autosomal dominant nonsyndromic hearing loss 1. Last evaluated: 2022-11-22. Review status: criteria provided, single submitter. Criteria: Invitae Variant Classification Sherloc (09022015). Collection method: clinical testing. Allele origin: germline.
Comment: For these reasons, this variant has been classified as Pathogenic. Algorithms developed to predict the effect of sequence changes on RNA splicing suggest that this variant may create or strengthen a splice site. ClinVar contains an entry for this variant (Variation ID: 946228). This variant has not been reported in the literature in individuals affected with DIAPH1-related conditions. This variant is not present in population databases (gnomAD no frequency). This sequence change creates a premature translational stop signal (p.Lys847Argfs*28) in the DIAPH1 gene. It is expected to result in an absent or disrupted protein product. Loss-of-function variants in DIAPH1 are known to be pathogenic (PMID: 24781755, 26463574).

Literature cited by the submitters: PubMed 24781755 (cited by Labcorp Genetics (formerly Invitae), Labcorp); PubMed 26463574 (cited by Labcorp Genetics (formerly Invitae), Labcorp).

NM_005219.5(DIAPH1):c.2540_2541del (p.Lys847fs)

Gene: DIAPH1 (diaphanous related formin 1; minus strand). Cytogenetic location: 5q31.3.
Variant type: Deletion.
Coding change: c.2540_2541del on transcript NM_005219.5 (MANE Select); coding-DNA positions 2540 to 2541, 2 bases deleted (AA; older notation c.2540_2541delAA).
Protein change: p.Lys847fs; shifts the reading frame from lysine 847.
Molecular consequence: frameshift variant.
Genome position (GRCh38, 1-based): chr5:141,534,375-141,534,376, TT deleted on the plus strand (AA on the coding strand, the reverse complement: DIAPH1 is on the minus strand); deleting any 2 consecutive bases within chr5:141,534,375-141,534,378 gives the same sequence; the c. name uses the placement nearest the transcript's 3' end. VCF-style (leftmost placement, unchanged base first): chr5-141534374-CTT-C. GRCh37 (hg19) VCF-style: chr5-140913941-CTT-C.
Other names: c.2513_2514del, p.Lys838fs (NM_001079812.3); c.2540_2541del, p.Lys847fs (NM_001314007.2); short protein forms K838fs, K847fs.
Identifiers: ClinVar variation 946228 (VCV000946228.9), dbSNP rs2099888710, ClinGen allele CA1139659116.